The following is an entry in ClinVar:

ClinVar aggregate classification (germline): Uncertain significance (1 of 4 stars; one submission).

Conditions:
Primary ciliary dyskinesia. Also called: Ciliary dyskinesia. Identifiers: Orphanet 244, MedGen C0008780, MONDO:0016575, HP:0012265.

Allele frequency attached by ClinVar (database versions not stated): ExAC 0.00001; TOPMed 0.00001.
gnomAD v4.1: 17 of 1,613,890 alleles (0.0011%); highest among the groups gnomAD compares: African/African-American, 0.0027%; no homozygotes.

Submission:

Labcorp Genetics (formerly Invitae), Labcorp
Classification: Uncertain significance for Primary ciliary dyskinesia. Last evaluated: 2025-10-13. Review status: criteria provided, single submitter. Criteria: Invitae Variant Classification Sherloc (09022015). Collection method: clinical testing. Allele origin: germline.
Comment: This sequence change replaces arginine, which is basic and polar, with proline, which is neutral and non-polar, at codon 723 of the DNAAF5 protein (p.Arg723Pro). This variant is present in population databases (rs756813208, gnomAD 0.0009%). This variant has not been reported in the literature in individuals affected with DNAAF5-related conditions. ClinVar contains an entry for this variant (Variation ID: 2192073). Invitae Evidence Modeling of protein sequence and biophysical properties (such as structural, functional, and spatial information, amino acid conservation, physicochemical variation, residue mobility, and thermodynamic stability) indicates that this missense variant is expected to disrupt DNAAF5 protein function with a positive predictive value of 80%. In summary, the available evidence is currently insufficient to determine the role of this variant in disease. Therefore, it has been classified as a Variant of Uncertain Significance.

NM_017802.4(DNAAF5):c.2168G>C (p.Arg723Pro)

Gene: DNAAF5 (dynein axonemal assembly factor 5; plus strand). Cytogenetic location: 7p22.3.
Variant type: single nucleotide variant.
Coding change: c.2168G>C on transcript NM_017802.4 (MANE Select); coding-DNA position 2168, G replaced by C.
Protein change: p.Arg723Pro; replaces arginine 723 with proline.
Molecular consequence: missense variant. On other transcripts: non-coding transcript variant (1).
Genome position (GRCh38, 1-based): chr7:775,091, G>C. VCF-style: chr7-775091-G-C. GRCh37 (hg19) VCF-style: chr7-814728-G-C.
Other names: short protein forms R723P.
Identifiers: ClinVar variation 2192073 (VCV002192073.3), dbSNP rs756813208, ClinGen allele CA4111108.